The following is an entry in ClinVar:

NM_001386298.1(CIC):c.5282C>T (p.Ala1761Val)

Gene: CIC (capicua transcriptional repressor; plus strand). Cytogenetic location: 19q13.2.
Variant type: single nucleotide variant.
Coding change: c.5282C>T on transcript NM_001386298.1 (MANE Select); coding-DNA position 5282, C replaced by T.
Protein change: p.Ala1761Val; replaces alanine 1761 with valine.
Molecular consequence: missense variant.
Genome position (GRCh38, 1-based): chr19:42,291,323, C>T. VCF-style: chr19-42291323-C-T. GRCh37 (hg19) VCF-style: chr19-42795475-C-T.
Other names: c.5282C>T, p.Ala1761Val (NM_001304815.2, NM_001379480.1, NM_001379482.1); c.2555C>T, p.Ala852Val (NM_001379484.1, NM_001379485.1, NM_015125.5); short protein forms A1761V, A852V.
Identifiers: ClinVar variation 1696517 (VCV001696517.25), dbSNP rs751712390, ClinGen allele CA9472278.
Genomic context (GRCh38, chr19:42,291,323, plus strand): 5'-TGCCCCAGCAGCTTCAGGTGGCACCTGCCCCAGCACCAGCCCCTGGGACCAAGGCAGCGG[C>T]TCCCAGCGGCCCTGCACCCACCACCAGCATCCGTTTCACCCTCCCACCGGGCACTTCCAC-3'
Protein context (NP_001373227.1, residues 1751-1771): PAPAPGTKAA[Ala1761Val]PSGPAPTTSI

ClinVar aggregate classification (germline): Uncertain significance. Review status: criteria provided, multiple submitters, no conflicts (2 of 4 stars). 2 submissions from 2 submitters: Uncertain significance (2). Last evaluated 2022-06-01.

Conditions:
Intellectual developmental disorder, autosomal dominant 45. Also called: Intellectual disability, autosomal dominant 45; MENTAL RETARDATION, AUTOSOMAL DOMINANT 45. Identifiers: MedGen C4539848, MONDO:0030910, OMIM 617600.

Allele frequency attached by ClinVar (database versions not stated): gnomAD exomes below 0.00001 and 0.00001; TOPMed below 0.00001; ExAC 0.00001; gnomAD 0.00001.

Submissions (2):

CeGaT Center for Human Genetics Tuebingen
Classification: Uncertain significance. Last evaluated: 2022-06-01. Review status: criteria provided, single submitter. Criteria: CeGaT Center For Human Genetics Tuebingen Variant Classification Criteria Version 2. Collection method: clinical testing. Allele origin: germline. Affected: yes. Observed: 1 variant allele.
Comment: CIC: PM2, BP4

New York Genome Center
Classification: Uncertain significance for Intellectual developmental disorder, autosomal dominant 45. Last evaluated: 2021-07-16. Review status: criteria provided, single submitter. Criteria: NYGC Assertion Criteria 2020. Collection method: clinical testing. Allele origin: germline. Observed: 1 heterozygote. Study: CSER-NYCKidSeq.